The following is an entry in ClinVar:

ClinVar aggregate classification (germline): Uncertain significance (1 of 4 stars; one submission).

Allele frequency attached by ClinVar (database versions not stated): gnomAD exomes below 0.00001.

Submission:

Labcorp Genetics (formerly Invitae), Labcorp
Classification: Uncertain significance. Last evaluated: 2022-07-05. Review status: criteria provided, single submitter. Criteria: Invitae Variant Classification Sherloc (09022015). Collection method: clinical testing. Allele origin: germline.
Comment: In summary, the available evidence is currently insufficient to determine the role of this variant in disease. Therefore, it has been classified as a Variant of Uncertain Significance. Variants that disrupt the consensus splice site are a relatively common cause of aberrant splicing (PMID: 17576681, 9536098). Algorithms developed to predict the effect of sequence changes on RNA splicing suggest that this variant may disrupt the consensus splice site. ClinVar contains an entry for this variant (Variation ID: 1505778). This variant has not been reported in the literature in individuals affected with SAMD11-related conditions. This variant is not present in population databases (gnomAD no frequency). This sequence change falls in intron 7 of the SAMD11 gene. It does not directly change the encoded amino acid sequence of the SAMD11 protein. It affects a nucleotide within the consensus splice site.

Literature cited by the submitters: PubMed 17576681; PubMed 9536098.

NM_001385641.1(SAMD11):c.1195+52A>G

Gene: SAMD11 (sterile alpha motif domain containing 11; plus strand). Cytogenetic location: 1p36.33.
Variant type: single nucleotide variant.
Coding change: c.1195+52A>G on transcript NM_001385641.1 (MANE Select); 52 bases into the intron after coding-DNA position 1195, A replaced by G.
Molecular consequence: intron variant.
Genome position (GRCh38, 1-based): chr1:939,464, A>G. VCF-style: chr1-939464-A-G. GRCh37 (hg19) VCF-style: chr1-874844-A-G.
Other names: c.1198+52A>G (NM_001385640.1); c.706+4A>G (NM_152486.4).
Identifiers: ClinVar variation 1505778 (VCV001505778.6), dbSNP rs2100344321, ClinGen allele CA2573132135.